The following is an entry in ClinVar:

ClinVar aggregate classification (germline): Uncertain significance (1 of 4 stars; one submission).

Conditions:
Polycystic kidney disease, adult type (PKD1). Also called: Polycystic Kidney, Autosomal Dominant; POLYCYSTIC KIDNEY DISEASE 1 WITH OR WITHOUT POLYCYSTIC LIVER DISEASE; Polycystic Kidney Disease 1, Autosomal Dominant; Polycystic kidney disease 1; Polycystic kidney disease 1, severe; POLYCYSTIC KIDNEY DISEASE, ADULT, TYPE I. Identifiers: MedGen C3149841, MONDO:0008263, OMIM 173900.

Submission:

MVZ Medizinische Genetik Mainz
Classification: Uncertain significance for Polycystic kidney disease, adult type. Last evaluated: 2023-01-04. Review status: criteria provided, single submitter. Criteria: UK Practice Guidelines For Variant Classification V4 01 2020. Collection method: clinical testing. Allele origin: germline. Inheritance: Autosomal dominant inheritance. Affected: yes. Observed: 1 variant allele.
Comment: ACMG Criteria: PM2_SUP, PP3, PP4 (ACMG Version 4)

NM_001009944.3(PKD1):c.9644T>A (p.Val3215Asp)

Gene: PKD1 (polycystin 1, transient receptor potential channel interacting; minus strand). Cytogenetic location: 16p13.3.
Variant type: single nucleotide variant.
Coding change: c.9644T>A on transcript NM_001009944.3 (MANE Select); coding-DNA position 9644, T replaced by A.
Protein change: p.Val3215Asp; replaces valine 3215 with aspartic acid.
Molecular consequence: missense variant.
Genome position (GRCh38, 1-based): chr16:2,100,234, A>T on the plus strand (T>A on the coding strand, the complement: PKD1 is on the minus strand). VCF-style: chr16-2100234-A-T. GRCh37 (hg19) VCF-style: chr16-2150235-A-T.
Other names: c.9644T>A, p.Val3215Asp (NM_000296.4); short protein forms V3215D.
Identifiers: ClinVar variation 3066163 (VCV003066163.1), dbSNP rs2544715688, ClinGen allele CA394355202.